The following is an entry in ClinVar:

ClinVar aggregate classification (germline): Uncertain significance (1 of 4 stars; one submission).

Conditions:
Cardiovascular phenotype. Identifiers: MedGen CN230736.

Submission:

Ambry Genetics
Classification: Uncertain significance for Cardiovascular phenotype. Last evaluated: 2021-11-28. Review status: criteria provided, single submitter. Criteria: Ambry Variant Classification Scheme 2023. Collection method: clinical testing. Allele origin: germline.
Comment: The p.P2491T variant (also known as c.7471C>A), located in coding exon 45 of the FLNC gene, results from a C to A substitution at nucleotide position 7471. The proline at codon 2491 is replaced by threonine, an amino acid with highly similar properties. This amino acid position is conserved. In addition, this alteration is predicted to be deleterious by in silico analysis. Since supporting evidence is limited at this time, the clinical significance of this alteration remains unclear.

NM_001458.5(FLNC):c.7471C>A (p.Pro2491Thr)

Genes: FLNC (filamin C; plus strand), FLNC-AS1 (FLNC antisense RNA 1; minus strand). Cytogenetic location: 7q32.1.
Variant type: single nucleotide variant.
Coding change: c.7471C>A on transcript NM_001458.5 (MANE Select); coding-DNA position 7471, C replaced by A.
Protein change: p.Pro2491Thr; replaces proline 2491 with threonine.
Molecular consequence: missense variant.
Genome position (GRCh38, 1-based): chr7:128,856,831, C>A. VCF-style: chr7-128856831-C-A. GRCh37 (hg19) VCF-style: chr7-128496885-C-A.
Other names: c.7372C>A, p.Pro2458Thr (NM_001127487.2); short protein forms P2458T, P2491T.
Identifiers: ClinVar variation 1759062 (VCV001759062.2), dbSNP rs2536670398, ClinGen allele CA369218472.